The following is an entry in ClinVar:

ClinVar aggregate classification (germline): Uncertain significance (1 of 4 stars; one submission).

Conditions:
Inborn genetic diseases. Identifiers: MedGen C0950123, MeSH D030342.

Submission:

Ambry Genetics
Classification: Uncertain significance for Inborn genetic diseases. Last evaluated: 2023-02-23. Review status: criteria provided, single submitter. Criteria: Ambry Variant Classification Scheme 2023. Collection method: clinical testing. Allele origin: germline.
Comment: The p.L955Q variant (also known as c.2864T>A), located in coding exon 28 of the RTEL1 gene, results from a T to A substitution at nucleotide position 2864. The leucine at codon 955 is replaced by glutamine, an amino acid with dissimilar properties. This amino acid position is conserved. In addition, the in silico prediction for this alteration is inconclusive. Since supporting evidence is limited at this time, the clinical significance of this alteration remains unclear.

NM_001283009.2(RTEL1):c.2792T>A (p.Leu931Gln)

Genes: RTEL1 (regulator of telomere elongation helicase 1; plus strand), RTEL1-TNFRSF6B (RTEL1-TNFRSF6B readthrough (NMD candidate); plus strand). Cytogenetic location: 20q13.33.
Variant type: single nucleotide variant.
Coding change: c.2792T>A on transcript NM_001283009.2 (MANE Select); coding-DNA position 2792, T replaced by A.
Protein change: p.Leu931Gln; replaces leucine 931 with glutamine.
Molecular consequence: missense variant. On other transcripts: non-coding transcript variant (1).
Genome position (GRCh38, 1-based): chr20:63,692,944, T>A. VCF-style: chr20-63692944-T-A. GRCh37 (hg19) VCF-style: chr20-62324297-T-A.
Other names: c.2123T>A, p.Leu708Gln (NM_001283010.1); c.2792T>A, p.Leu931Gln (NM_016434.4); c.2864T>A, p.Leu955Gln (NM_032957.5); short protein forms L708Q, L931Q, L955Q.
Identifiers: ClinVar variation 3228187 (VCV003228187.1), dbSNP rs2517165951, ClinGen allele CA409683048.